The following is an entry in ClinVar:

NM_005035.4(POLRMT):c.3581+9C>G

Gene: POLRMT (RNA polymerase mitochondrial; minus strand). Cytogenetic location: 19p13.3.
Variant type: single nucleotide variant.
Coding change: c.3581+9C>G on transcript NM_005035.4 (MANE Select); 9 bases into the intron after coding-DNA position 3581, C replaced by G.
Molecular consequence: intron variant.
Genome position (GRCh38, 1-based): chr19:617,561, G>C on the plus strand (C>G on the coding strand, the complement: POLRMT is on the minus strand). VCF-style: chr19-617561-G-C. GRCh37 (hg19) VCF-style: chr19-617561-G-C.
Other names: c.3539+9C>G (NM_001407813.1); c.3560+9C>G (NM_001407811.1); c.3569+9C>G (NM_001407810.1); c.3590+9C>G (NM_001407807.1, NM_001407808.1); c.3572+9C>G (NM_001407809.1); c.3593+9C>G (NM_001407806.1); c.3257+9C>G (NM_001407832.1, NM_001407833.1); c.3356+9C>G (NM_001407830.1); and 10 more.
Identifiers: ClinVar variation 4988439 (VCV004988439.1).
Genomic context (GRCh38, chr19:617,561, plus strand): 5'-GGGTGAGGCTGAGGCCAGGTTTTGGGGTGGGGGGGGAATCCAGGTAGTTGGGGTCAGGGA[G>C]CGCCTTACTCAGAGCAGAACCGCTTGACCAGGAATCTGGACAGGTCCTGCAGGATGGGCT-3'

ClinVar aggregate classification (germline): Likely benign (1 of 4 stars; one submission).

Conditions:
POLRMT-related disorder. Also called: POLRMT-related condition.

gnomAD v4.1: 22 of 1,611,184 alleles (0.0014%); highest among the groups gnomAD compares: Admixed American, 0.02%; no homozygotes.

Submission:

PreventionGenetics, part of Exact Sciences
Classification: Likely benign for POLRMT-related condition. Last evaluated: 2024-11-19. Review status: criteria provided, single submitter. Criteria: ACMG Guidelines, 2015. Collection method: clinical testing. Allele origin: germline.
Comment: This variant is classified as likely benign based on ACMG/AMP sequence variant interpretation guidelines (Richards et al. 2015 PMID: 25741868, with internal and published modifications).